The following is an entry in ClinVar:

ClinVar aggregate classification (germline): Pathogenic (1 of 4 stars; one submission).

Conditions:
Citrullinemia type I (CTNL1). Also called: ASS DEFICIENCY; argininosuccinate synthetase deficiency. Identifiers: Orphanet 247525, MedGen C4721769, MONDO:0008988, OMIM 215700.

Submission:

Myriad Genetics, Inc.
Classification: Pathogenic for Citrullinemia type I. Last evaluated: 2025-12-22. Review status: criteria provided, single submitter. Criteria: Myriad Autosomal Dominant, Autosomal Recessive and X-Linked Classification Criteria (2023). Collection method: clinical testing. Allele origin: unknown.
Comment: NM_000050.4(ASS1):c.697delG(V233*) is a nonsense variant classified as pathogenic in the context of citrullinemia type 1. V233* has not been observed in cases with relevant disease. Relevant functional assessments of this variant are not available in the literature. V233* has not been observed in referenced population frequency databases. In summary, NM_000050.4(ASS1):c.697delG(V233*) is a nonsense variant in a gene where loss of function is a known mechanism of disease and is predicted to disrupt protein function. Please note: this variant was assessed in the context of healthy population screening.

NM_054012.4(ASS1):c.697del (p.Pro232_Val233insTer)

Gene: ASS1 (argininosuccinate synthase 1; plus strand). Cytogenetic location: 9q34.11.
Variant type: Deletion.
Coding change: c.697del on transcript NM_054012.4 (MANE Select); coding-DNA position 697, one base deleted (G; older notation c.697delG).
Protein change: p.Pro232_Val233insTer.
Molecular consequence: nonsense.
Genome position (GRCh38, 1-based): chr9:130,479,724, G deleted. VCF-style (leftmost placement, unchanged base first): chr9-130479723-TG-T. GRCh37 (hg19) VCF-style: chr9-133355110-TG-T.
Other names: c.697del, p.Pro232_Val233insTer (NM_000050.4).
Identifiers: ClinVar variation 5004344 (VCV005004344.1).